The following is an entry in ClinVar:

ClinVar aggregate classification (germline): Uncertain significance. Review status: criteria provided, multiple submitters, no conflicts (2 of 4 stars). 2 submissions from 2 submitters: Uncertain significance (2). Last evaluated 2025-09-25.

Conditions:
Epidermolysis bullosa simplex with nail dystrophy (EBS5D). Identifiers: MedGen C4225309, MONDO:0014661, OMIM 616487.
Epidermolysis bullosa simplex 5B, with muscular dystrophy (EBS5B). Also called: EPIDERMOLYSIS BULLOSA SIMPLEX AND LIMB-GIRDLE MUSCULAR DYSTROPHY; Epidermolysis bullosa simplex with muscular dystrophy. Identifiers: Orphanet 257, MedGen C2931072, MONDO:0009181, OMIM 226670.
Epidermolysis bullosa simplex, Ogna type (EBS5A). Also called: Pidermolysis bullosa simplex 5A, Ogna type; EPIDERMOLYSIS BULLOSA SIMPLEX 5A, OGNA TYPE. Identifiers: Orphanet 79401, MedGen C0432317, MONDO:0007555, OMIM 131950.
Autosomal recessive limb-girdle muscular dystrophy type 2Q (LGMDR17). Also called: MUSCULAR DYSTROPHY, LIMB-GIRDLE, AUTOSOMAL RECESSIVE 17. Identifiers: Orphanet 254361, MedGen C3150989, MONDO:0013390, OMIM 613723.
Epidermolysis bullosa simplex 5C, with pyloric atresia (EBS5C). Also called: PLEC-Related Epidermolysis Bullosa with Pyloric Atresia; Epidermolysis bullosa simplex with pyloric atresia; PLEC1-Related Epidermolysis Bullosa with Pyloric Atresia. Identifiers: Orphanet 158684, MedGen C2677349, MONDO:0012807, OMIM 612138.

Allele frequency attached by ClinVar (database versions not stated): TOPMed 0.00004; gnomAD 0.00005; ExAC 0.00006; gnomAD exomes 0.00007 and 0.00008.

Submissions (2):

Labcorp Genetics (formerly Invitae), Labcorp
Classification: Uncertain significance for Autosomal recessive limb-girdle muscular dystrophy type 2Q; Epidermolysis bullosa simplex, Ogna type; Epidermolysis bullosa simplex with nail dystrophy; Epidermolysis bullosa simplex 5C, with pyloric atresia; Epidermolysis bullosa simplex 5B, with muscular dystrophy. Last evaluated: 2025-09-25. Review status: criteria provided, single submitter. Criteria: Invitae Variant Classification Sherloc (09022015). Collection method: clinical testing. Allele origin: germline.
Comment: This sequence change replaces lysine, which is basic and polar, with glutamic acid, which is acidic and polar, at codon 3242 of the PLEC protein (p.Lys3242Glu). This variant is present in population databases (rs782078326, gnomAD 0.02%). This variant has not been reported in the literature in individuals affected with PLEC-related conditions. ClinVar contains an entry for this variant (Variation ID: 538971). An algorithm developed to predict the effect of missense changes on protein structure and function outputs the following: PolyPhen-2: "Benign". The glutamic acid amino acid residue is found in multiple mammalian species, which suggests that this missense change does not adversely affect protein function. In summary, the available evidence is currently insufficient to determine the role of this variant in disease. Therefore, it has been classified as a Variant of Uncertain Significance.

Revvity Omics, Revvity
Classification: Uncertain significance. Last evaluated: 2023-09-04. Review status: criteria provided, single submitter. Criteria: ACMG Guidelines, 2015. Collection method: clinical testing. Allele origin: germline.

NM_201384.3(PLEC):c.9643A>G (p.Lys3215Glu)

Gene: PLEC (plectin; minus strand). Cytogenetic location: 8q24.3.
Variant type: single nucleotide variant.
Coding change: c.9643A>G on transcript NM_201384.3 (MANE Select); coding-DNA position 9643, A replaced by G.
Protein change: p.Lys3215Glu; replaces lysine 3215 with glutamic acid.
Molecular consequence: missense variant.
Genome position (GRCh38, 1-based): chr8:143,920,178, T>C on the plus strand (A>G on the coding strand, the complement: PLEC is on the minus strand). VCF-style: chr8-143920178-T-C. GRCh37 (hg19) VCF-style: chr8-144994346-T-C.
Other names: c.9724A>G, p.Lys3242Glu (NM_000445.5); c.9601A>G, p.Lys3201Glu (NM_201378.4); c.9577A>G, p.Lys3193Glu (NM_201379.3); c.10054A>G, p.Lys3352Glu (NM_201380.4); c.9547A>G, p.Lys3183Glu (NM_201381.3); c.9643A>G, p.Lys3215Glu (NM_201382.4); c.9655A>G, p.Lys3219Glu (NM_201383.3); short protein forms K3183E, K3193E, K3215E, K3201E, K3352E, K3219E, K3242E.
Identifiers: ClinVar variation 538971 (VCV000538971.12), dbSNP rs782078326, ClinGen allele CA4924903.
Genomic context (GRCh38, chr8:143,920,178, plus strand): 5'-CAAAGGTCTCACGGGCCTGCAGCTCTGAGTAGAGCTCCTCCTGCCGGGCCCGAGCAGCCT[T>C]TTCTGAGAGCGGCAGCAGGCTCAGCCCGGTCAGCTGGTCGGGCCGGCACCGCTGCTGGAG-3'
Protein context (NP_958786.1, residues 3205-3225): TGLSLLPLSE[Lys3215Glu]AARARQEELY